The following is an entry in ClinVar:

ClinVar aggregate classification (germline): Benign/Likely benign. Review status: criteria provided, multiple submitters, no conflicts (2 of 4 stars). 3 submissions from 3 submitters: Benign (1); Likely benign (2). Last evaluated 2024-10-06.

Conditions:
Hereditary cancer-predisposing syndrome. Also called: Hereditary Cancer Syndrome; Hereditary neoplastic syndrome; Neoplastic Syndromes, Hereditary; Tumor predisposition. Identifiers: Orphanet 140162, MedGen C0027672, MeSH D009386, MONDO:0015356.
Familial cancer of breast. Also called: BREAST CANCER, FAMILIAL; Hereditary breast cancer; hereditary breast carcinoma. Identifiers: Orphanet 227535, MedGen C0346153, MONDO:0016419, OMIM 114480. Disease mechanism: loss of function.

Submissions (3):

Labcorp Genetics (formerly Invitae), Labcorp
Classification: Likely benign for Familial cancer of breast. Last evaluated: 2024-10-06. Review status: criteria provided, single submitter. Criteria: Invitae Variant Classification Sherloc (09022015). Collection method: clinical testing. Allele origin: germline.

Myriad Genetics, Inc.
Classification: Benign for Familial cancer of breast. Last evaluated: 2024-07-25. Review status: criteria provided, single submitter. Criteria: Myriad Autosomal Dominant, Autosomal Recessive and X-Linked Classification Criteria (2023). Collection method: clinical testing. Allele origin: unknown.
Comment: This variant is considered benign. This variant is a silent/synonymous amino acid change and it is not expected to impact splicing.

Ambry Genetics
Classification: Likely benign for Hereditary cancer-predisposing syndrome. Last evaluated: 2022-06-01. Review status: criteria provided, single submitter. Criteria: Ambry Variant Classification Scheme 2023. Collection method: clinical testing. Allele origin: germline.

NM_000465.4(BARD1):c.1443C>G (p.Leu481=)

Gene: BARD1 (BRCA1 associated RING domain 1; minus strand). Cytogenetic location: 2q35.
Variant type: single nucleotide variant.
Coding change: c.1443C>G on transcript NM_000465.4 (MANE Select); coding-DNA position 1443, C replaced by G.
Protein change: p.Leu481=; no amino-acid change (leucine 481 retained).
Molecular consequence: synonymous variant. On other transcripts: non-coding transcript variant (3), intron variant (3).
Genome position (GRCh38, 1-based): chr2:214,767,607, G>C on the plus strand (C>G on the coding strand, the complement: BARD1 is on the minus strand). VCF-style: chr2-214767607-G-C. GRCh37 (hg19) VCF-style: chr2-215632331-G-C.
Other names: c.1386C>G, p.Leu462= (NM_001282543.2); c.159-15052C>G (NM_001282548.2); c.216-15052C>G (NM_001282545.2); c.364+24690C>G (NM_001282549.2).
Identifiers: ClinVar variation 1772742 (VCV001772742.5), dbSNP rs1286691671, ClinGen allele CA431129654.